The following is an entry in ClinVar:

ClinVar aggregate classification (germline): Uncertain significance (1 of 4 stars; one submission).

Allele frequency attached by ClinVar (database versions not stated): gnomAD exomes below 0.00001; ExAC 0.00001; gnomAD 0.00001; TOPMed 0.00002.
gnomAD v4.1: 2 of 1,613,530 alleles (0.00012%); highest among the groups gnomAD compares: African/African-American, 0.0027%; no homozygotes.

Submission:

Labcorp Genetics (formerly Invitae), Labcorp
Classification: Uncertain significance. Last evaluated: 2021-11-30. Review status: criteria provided, single submitter. Criteria: Invitae Variant Classification Sherloc (09022015). Collection method: clinical testing. Allele origin: germline.
Comment: This sequence change replaces asparagine, which is neutral and polar, with lysine, which is basic and polar, at codon 199 of the SPP2 protein (p.Asn199Lys). This variant is not present in population databases (gnomAD no frequency). This variant has not been reported in the literature in individuals affected with SPP2-related conditions. Algorithms developed to predict the effect of missense changes on protein structure and function are either unavailable or do not agree on the potential impact of this missense change (SIFT: "Tolerated"; PolyPhen-2: "Possibly Damaging"; Align-GVGD: "Class C0"). In summary, the available evidence is currently insufficient to determine the role of this variant in disease. Therefore, it has been classified as a Variant of Uncertain Significance.

NM_006944.3(SPP2):c.597C>G (p.Asn199Lys)

Gene: SPP2 (secreted phosphoprotein 2; plus strand). Cytogenetic location: 2q37.1.
Variant type: single nucleotide variant.
Coding change: c.597C>G on transcript NM_006944.3 (MANE Select); coding-DNA position 597, C replaced by G.
Protein change: p.Asn199Lys; replaces asparagine 199 with lysine.
Molecular consequence: missense variant.
Genome position (GRCh38, 1-based): chr2:234,069,974, C>G. VCF-style: chr2-234069974-C-G. GRCh37 (hg19) VCF-style: chr2-234978618-C-G.
Other names: short protein forms N199K.
Identifiers: ClinVar variation 1920560 (VCV001920560.5), dbSNP rs766392250, ClinGen allele CA2183276.
Genomic context (GRCh38, chr2:234,069,974, plus strand): 5'-TTTTCTATCTTTAGGGATCATGAGAAGGGTATTGCCTCCTGGAAACAGAAGGTACCCAAA[C>G]CACCGGCACAGAGCAAGAATAAATACTGACTTTGAGTAACGGCCTTGAGGTAAGAAAATG-3'
Protein context (NP_008875.1, residues 189-209): VLPPGNRRYP[Asn199Lys]HRHRARINTD